The following is an entry in ClinVar:

NM_001754.5(RUNX1):c.714C>T (p.Val238=)

Gene: RUNX1 (RUNX family transcription factor 1; minus strand). Cytogenetic location: 21q22.12.
Variant type: single nucleotide variant.
Coding change: c.714C>T on transcript NM_001754.5 (MANE Select); coding-DNA position 714, C replaced by T.
Protein change: p.Val238=; no amino-acid change (valine 238 retained).
Molecular consequence: synonymous variant.
Genome position (GRCh38, 1-based): chr21:34,834,501, G>A on the plus strand (C>T on the coding strand, the complement: RUNX1 is on the minus strand). VCF-style: chr21-34834501-G-A. GRCh37 (hg19) VCF-style: chr21-36206798-G-A.
Other names: NM_001754.5(RUNX1):c.714C>T; c.633C>T, p.Val211= (NM_001001890.3, NM_001122607.2); c.714C>T (NM_001754.4).
Identifiers: ClinVar variation 464005 (VCV000464005.15), dbSNP rs776056802, ClinGen allele CA10014369.
Genomic context (GRCh38, chr21:34,834,501, plus strand): 5'-GGCAGTGGAGTGGTTCAGGGAGGCACGAGGGTTGGGCGTGGGGGCTGGGTGGTGTGGGCT[G>A]ACCCTCATGGCTGTGCGCCGCAGCTGCTCCAGTTCACTGAGCCGCTCGGAAAAGGACAAG-3'
Protein context (NP_001745.2, residues 228-248): LEQLRRTAMR[Val238=]SPHHPAPTPN

ClinVar aggregate classification (germline): Likely benign. Review status: reviewed by expert panel (3 of 4 stars). 4 submissions from 4 submitters: Likely benign (1). 3 of the submissions do not count toward it. Last evaluated 2026-04-29.

Conditions:
Hereditary thrombocytopenia and hematological cancer predisposition syndrome associated with RUNX1. Also called: PLATELET DISORDER, ASPIRIN-LIKE; Familial Platelet Disorder with Propensity to Acute Myelogenous Leukemia; Familial thrombocytopenia with propensity to acute myelogenous leukemia; RUNX1 Familial Platelet Disorder with Associated Myeloid Malignancies. Identifiers: Orphanet 71290, MedGen C1832388, MeSH C563324, MONDO:0100083, OMIM 601399.
Hereditary thrombocytopenia and hematologic cancer predisposition syndrome. Identifiers: Orphanet 71290, MedGen CN281654, MONDO:0011071.
Inborn genetic diseases. Identifiers: MedGen C0950123, MeSH D030342.

Allele frequency attached by ClinVar (database versions not stated): TOPMed below 0.00001; gnomAD 0.00001; gnomAD exomes 0.00001; ExAC 0.00002.
gnomAD v4.1: 4 of 1,613,400 alleles (0.00025%); highest among the groups gnomAD compares: Admixed American, 0.0067%; no homozygotes.

Submissions (4):

ClinGen Myeloid Malignancy Variant Curation Expert Panel
Classification: Likely benign for Hereditary thrombocytopenia and hematologic cancer predisposition syndrome. Last evaluated: 2026-04-29. Review status: reviewed by expert panel. Criteria: ClinGen MyeloMalig ACMG Specifications V3.1. Collection method: curation. Allele origin: germline. Inheritance: Autosomal dominant inheritance.
Comment: NM_001754.5(RUNX1):c.714C>T (p.Val238=) is a synonymous variant which has a SpliceAI score ≤ 0.20 (0.00) (BP4, BP7). This variant has a MAF ≤ 0.00005 in gnomAD v4 across all subpopulations with at least 20x coverage for RUNX1 (PM2_supporting). In summary, this variant meets criteria to be classified as likely benign. ACMG/AMP criteria applied, as specified by the Myeloid Malignancy Variant Curation Expert Panel for RUNX1: BP4, BP7, PM2_supporting.

Labcorp Genetics (formerly Invitae), Labcorp
Classification: Likely benign for Hereditary thrombocytopenia and hematological cancer predisposition syndrome associated with RUNX1. Last evaluated: 2025-07-07. Review status: criteria provided, single submitter. Criteria: Invitae Variant Classification Sherloc (09022015). Collection method: clinical testing. Allele origin: germline. Not counted in ClinVar's aggregate classification.

KCCC/NGS Laboratory, Kuwait Cancer Control Center
Classification: Benign for Hereditary thrombocytopenia and hematological cancer predisposition syndrome associated with RUNX1. Last evaluated: 2025-02-01. Review status: criteria provided, single submitter. Criteria: ACMG Guidelines, 2015. Collection method: clinical testing. Allele origin: germline. Affected: no. Not counted in ClinVar's aggregate classification.

Ambry Genetics
Classification: Likely benign for Inborn genetic diseases. Last evaluated: 2025-01-22. Review status: criteria provided, single submitter. Criteria: Ambry Variant Classification Scheme 2023. Collection method: clinical testing. Allele origin: germline. Not counted in ClinVar's aggregate classification.